The following is an entry in ClinVar:

ClinVar aggregate classification (germline): Uncertain significance (1 of 4 stars; one submission).

Conditions:
Neuroblastoma, susceptibility to, 3. Also called: ALK-Related Neuroblastic Tumor Susceptibility. Identifiers: Orphanet 635, MedGen C2751681, MONDO:0013083, OMIM 613014.

Submission:

Labcorp Genetics (formerly Invitae), Labcorp
Classification: Uncertain significance for Neuroblastoma, susceptibility to, 3. Last evaluated: 2023-09-21. Review status: criteria provided, single submitter. Criteria: Invitae Variant Classification Sherloc (09022015). Collection method: clinical testing. Allele origin: germline.
Comment: This variant has not been reported in the literature in individuals affected with ALK-related conditions. This variant is not present in population databases (gnomAD no frequency). This sequence change replaces proline, which is neutral and non-polar, with leucine, which is neutral and non-polar, at codon 650 of the ALK protein (p.Pro650Leu). An algorithm developed to predict the effect of missense changes on protein structure and function (PolyPhen-2) suggests that this variant is likely to be disruptive. In summary, the available evidence is currently insufficient to determine the role of this variant in disease. Therefore, it has been classified as a Variant of Uncertain Significance.

NM_004304.5(ALK):c.1949C>T (p.Pro650Leu)

Gene: ALK (ALK receptor tyrosine kinase; minus strand). Cytogenetic location: 2p23.2.
Variant type: single nucleotide variant.
Coding change: c.1949C>T on transcript NM_004304.5 (MANE Select); coding-DNA position 1949, C replaced by T.
Protein change: p.Pro650Leu; replaces proline 650 with leucine.
Molecular consequence: missense variant.
Genome position (GRCh38, 1-based): chr2:29,275,191, G>A on the plus strand (C>T on the coding strand, the complement: ALK is on the minus strand). VCF-style: chr2-29275191-G-A. GRCh37 (hg19) VCF-style: chr2-29498057-G-A.
Other names: short protein forms P650L.
Identifiers: ClinVar variation 2782997 (VCV002782997.3), dbSNP rs2148215129, ClinGen allele CA346479755.
Genomic context (GRCh38, chr2:29,275,191, plus strand): 5'-GAATTTTCCCCGGGTTTCAGCTCCTTGTTTGGGTTTCTCTCAAACAGGTTTCTTGATTTG[G>A]GTGCTGTATTCTGCAGGATCTTGTCCTCTCCGCTAACTGCAATAGAGAAGACCCCACGGG-3'
Protein context (NP_004295.2, residues 640-660): GEDKILQNTA[Pro650Leu]KSRNLFERNP